The following is an entry in ClinVar:

ClinVar aggregate classification (germline): Uncertain significance (1 of 4 stars; one submission).

Conditions:
Inborn genetic diseases. Identifiers: MedGen C0950123, MeSH D030342.

gnomAD v4.1: 3 of 1,613,634 alleles (0.00019%); highest among the groups gnomAD compares: African/African-American, 0.0027%; no homozygotes.

Submission:

Ambry Genetics
Classification: Uncertain significance for Inborn genetic diseases. Last evaluated: 2025-04-05. Review status: criteria provided, single submitter. Criteria: Ambry Variant Classification Scheme 2023. Collection method: clinical testing. Allele origin: germline.
Comment: The p.A187V variant (also known as c.560C>T), located in coding exon 7 of the ASXL1 gene, results from a C to T substitution at nucleotide position 560. The alanine at codon 187 is replaced by valine, an amino acid with similar properties. This amino acid position is conserved. In addition, this alteration is predicted to be tolerated by in silico analysis. Based on the available evidence, the clinical significance of this variant remains unclear.

NM_015338.6(ASXL1):c.560C>T (p.Ala187Val)

Gene: ASXL1 (ASXL transcriptional regulator 1; plus strand). Cytogenetic location: 20q11.21.
Variant type: single nucleotide variant.
Coding change: c.560C>T on transcript NM_015338.6 (MANE Select); coding-DNA position 560, C replaced by T.
Protein change: p.Ala187Val; replaces alanine 187 with valine.
Molecular consequence: missense variant.
Genome position (GRCh38, 1-based): chr20:32,429,426, C>T. VCF-style: chr20-32429426-C-T. GRCh37 (hg19) VCF-style: chr20-31017229-C-T.
Other names: c.530C>T, p.Ala177Val (NM_001363734.1); short protein forms A177V, A187V.
Identifiers: ClinVar variation 3955789 (VCV003955789.1).